The following is an entry in ClinVar:

ClinVar aggregate classification (germline): Uncertain significance. Review status: criteria provided, multiple submitters, no conflicts (2 of 4 stars). 2 submissions from 2 submitters: Uncertain significance (2). Last evaluated 2023-12-06.

Conditions:
Gorlin syndrome. Also called: Basal cell nevus syndrome; Nevoid Basal Cell Carcinoma Syndrome. Identifiers: Orphanet 377, MedGen C0004779, MONDO:0007187.
Hereditary cancer-predisposing syndrome. Also called: Tumor predisposition; Hereditary neoplastic syndrome; Neoplastic Syndromes, Hereditary; Hereditary Cancer Syndrome. Identifiers: Orphanet 140162, MedGen C0027672, MeSH D009386, MONDO:0015356.

Allele frequency attached by ClinVar (database versions not stated): gnomAD 0.00001.

Submissions (2):

Labcorp Genetics (formerly Invitae), Labcorp
Classification: Uncertain significance for Gorlin syndrome. Last evaluated: 2023-12-06. Review status: criteria provided, single submitter. Criteria: Invitae Variant Classification Sherloc (09022015). Collection method: clinical testing. Allele origin: germline.
Comment: This sequence change replaces cysteine, which is neutral and slightly polar, with arginine, which is basic and polar, at codon 1398 of the PTCH1 protein (p.Cys1398Arg). This variant is present in population databases (no rsID available, gnomAD 0.01%). This variant has not been reported in the literature in individuals affected with PTCH1-related conditions. ClinVar contains an entry for this variant (Variation ID: 1378237). Advanced modeling of protein sequence and biophysical properties (such as structural, functional, and spatial information, amino acid conservation, physicochemical variation, residue mobility, and thermodynamic stability) performed at Invitae indicates that this missense variant is not expected to disrupt PTCH1 protein function with a negative predictive value of 95%. In summary, the available evidence is currently insufficient to determine the role of this variant in disease. Therefore, it has been classified as a Variant of Uncertain Significance.

Ambry Genetics
Classification: Uncertain significance for Hereditary cancer-predisposing syndrome. Last evaluated: 2022-02-15. Review status: criteria provided, single submitter. Criteria: Ambry Variant Classification Scheme 2023. Collection method: clinical testing. Allele origin: germline.
Comment: The p.C1398R variant (also known as c.4192T>C), located in coding exon 23 of the PTCH1 gene, results from a T to C substitution at nucleotide position 4192. The cysteine at codon 1398 is replaced by arginine, an amino acid with highly dissimilar properties. This amino acid position is conserved. In addition, this alteration is predicted to be tolerated by in silico analysis. Since supporting evidence is limited at this time, the clinical significance of this alteration remains unclear.

NM_000264.5(PTCH1):c.4192T>C (p.Cys1398Arg)

Gene: PTCH1 (patched 1; minus strand). Cytogenetic location: 9q22.32.
Variant type: single nucleotide variant.
Coding change: c.4192T>C on transcript NM_000264.5 (MANE Select); coding-DNA position 4192, T replaced by C.
Protein change: p.Cys1398Arg; replaces cysteine 1398 with arginine.
Molecular consequence: missense variant. On other transcripts: non-coding transcript variant (1).
Genome position (GRCh38, 1-based): chr9:95,447,064, A>G on the plus strand (T>C on the coding strand, the complement: PTCH1 is on the minus strand). VCF-style: chr9-95447064-A-G. GRCh37 (hg19) VCF-style: chr9-98209346-A-G.
Other names: c.3994T>C, p.Cys1332Arg (NM_001083602.3); c.4189T>C, p.Cys1397Arg (NM_001083603.3); c.3739T>C, p.Cys1247Arg (NM_001083604.3, NM_001083605.3, NM_001083606.3 and 1 more transcripts); c.4036T>C, p.Cys1346Arg (NM_001354918.2); short protein forms C1332R, C1346R, C1397R, C1398R, C1247R.
Identifiers: ClinVar variation 1378237 (VCV001378237.10), dbSNP rs1372936088, ClinGen allele CA374110151.